The following is an entry in ClinVar:

NM_002474.3(MYH11):c.3756T>G (p.His1252Gln)

Gene: MYH11 (myosin heavy chain 11; minus strand). Cytogenetic location: 16p13.11.
Variant type: single nucleotide variant.
Coding change: c.3756T>G on transcript NM_002474.3 (MANE Select); coding-DNA position 3756, T replaced by G.
Protein change: p.His1252Gln; replaces histidine 1252 with glutamine.
Molecular consequence: missense variant.
Genome position (GRCh38, 1-based): chr16:15,726,950, A>C on the plus strand (T>G on the coding strand, the complement: MYH11 is on the minus strand). VCF-style: chr16-15726950-A-C. GRCh37 (hg19) VCF-style: chr16-15820807-A-C.
Other names: c.3756T>G (NM_002474.2); c.3777T>G, p.His1259Gln (NM_001040113.2, NM_001040114.2); c.3756T>G, p.His1252Gln (NM_022844.3); short protein forms H1259Q, H1252Q.
Identifiers: ClinVar variation 465729 (VCV000465729.19), dbSNP rs1390595486, ClinGen allele CA394860130.

ClinVar aggregate classification (germline): Uncertain significance. Review status: criteria provided, multiple submitters, no conflicts (2 of 4 stars). 4 submissions from 4 submitters: Uncertain significance (4). Last evaluated 2024-05-07.

Conditions:
Familial thoracic aortic aneurysm and aortic dissection (TAAD). Also called: Thoracic aortic aneurysms and dissections. Identifiers: Orphanet 91387, MedGen C4707243, MONDO:0019625.
Aortic aneurysm, familial thoracic 4 (AAT4). Also called: AORTIC ANEURYSM/AORTIC DISSECTION AND PATENT DUCTUS ARTERIOSUS. Identifiers: MedGen C1851504, MONDO:0007568, OMIM 132900.

Allele frequency attached by ClinVar (database versions not stated): gnomAD exomes below 0.00001; TOPMed below 0.00001; gnomAD 0.00001.
gnomAD v4.1: 8 of 1,613,078 alleles (0.0005%); highest among the groups gnomAD compares: African/African-American, 0.0013%; no homozygotes.

Submissions (4):

Labcorp Genetics (formerly Invitae), Labcorp
Classification: Uncertain significance for Aortic aneurysm, familial thoracic 4. Last evaluated: 2024-05-07. Review status: criteria provided, single submitter. Criteria: Invitae Variant Classification Sherloc (09022015). Collection method: clinical testing. Allele origin: germline.
Comment: This sequence change replaces histidine, which is basic and polar, with glutamine, which is neutral and polar, at codon 1259 of the MYH11 protein (p.His1259Gln). This variant is present in population databases (no rsID available, gnomAD 0.01%). This variant has not been reported in the literature in individuals affected with MYH11-related conditions. ClinVar contains an entry for this variant (Variation ID: 465729). Advanced modeling of protein sequence and biophysical properties (such as structural, functional, and spatial information, amino acid conservation, physicochemical variation, residue mobility, and thermodynamic stability) performed at Invitae indicates that this missense variant is not expected to disrupt MYH11 protein function with a negative predictive value of 95%. In summary, the available evidence is currently insufficient to determine the role of this variant in disease. Therefore, it has been classified as a Variant of Uncertain Significance.

All of Us Research Program, National Institutes of Health
Classification: Uncertain significance for Familial thoracic aortic aneurysm and aortic dissection. Last evaluated: 2024-04-16. Review status: criteria provided, single submitter. Criteria: ACMG Guidelines, 2015. Collection method: clinical testing. Allele origin: germline. Inheritance: Autosomal dominant inheritance. Observed: 4 variant alleles, 4 heterozygotes.
Comment: This missense variant replaces histidine with glutamine at codon 1259 of the MYH11 protein. Computational prediction tools and conservation analyses are inconclusive regarding the impact of this variant on the protein function. Computational splicing tools suggest that this variant may not impact RNA splicing. To our knowledge, functional assays have not been performed for this variant nor has this variant been reported in individuals affected with cardiovascular disorders in the literature. This variant has been identified in 1/31276 chromosomes in the general population by the Genome Aggregation Database (gnomAD). Available evidence is insufficient to determine the role of this variant in disease conclusively. Therefore, this variant is classified as a Variant of Uncertain Significance.

This study involves interpretation of variants in research participants for the purpose of population health screening. Participant phenotype was not available at the time of variant classification. Additional details can be found in publication PMID: 35346344, PMCID: PMC8962531

Color Diagnostics, LLC DBA Color Health
Classification: Uncertain significance for Familial thoracic aortic aneurysm and aortic dissection. Last evaluated: 2024-03-06. Review status: criteria provided, single submitter. Criteria: ACMG Guidelines, 2015. Collection method: clinical testing. Allele origin: germline.
Comment: This missense variant replaces histidine with glutamine at codon 1259 of the MYH11 protein. Computational prediction suggests that this variant may not impact protein structure and function (internally defined REVEL score threshold <= 0.5, PMID: 27666373). To our knowledge, functional studies have not been reported for this variant. This variant has not been reported in individuals affected with MYH11-related disorders in the literature. This variant has been identified in 1/31276 chromosomes in the general population by the Genome Aggregation Database (gnomAD). The available evidence is insufficient to determine the role of this variant in disease conclusively. Therefore, this variant is classified as a Variant of Uncertain Significance.

Ambry Genetics
Classification: Uncertain significance for Familial thoracic aortic aneurysm and aortic dissection. Last evaluated: 2023-04-14. Review status: criteria provided, single submitter. Criteria: Ambry Variant Classification Scheme 2023. Collection method: clinical testing. Allele origin: germline.
Comment: The p.H1252Q variant (also known as c.3756T>G), located in coding exon 27 of the MYH11 gene, results from a T to G substitution at nucleotide position 3756. The histidine at codon 1252 is replaced by glutamine, an amino acid with highly similar properties. This amino acid position is conserved. In addition, this alteration is predicted to be tolerated by in silico analysis. Since supporting evidence is limited at this time, the clinical significance of this alteration remains unclear.